The following is an entry in ClinVar:

NM_002225.5(IVD):c.25G>T (p.Gly9Trp)

Gene: IVD (isovaleryl-CoA dehydrogenase; plus strand). Cytogenetic location: 15q15.1.
Variant type: single nucleotide variant.
Coding change: c.25G>T on transcript NM_002225.5 (MANE Select); coding-DNA position 25, G replaced by T.
Protein change: p.Gly9Trp; replaces glycine 9 with tryptophan.
Molecular consequence: missense variant. On other transcripts: 5 prime UTR variant (1), non-coding transcript variant (1).
Genome position (GRCh38, 1-based): chr15:40,405,852, G>T. VCF-style: chr15-40405852-G-T. GRCh37 (hg19) VCF-style: chr15-40698053-G-T.
Other names: c.34G>T (NM_002225.3); c.25G>T, p.Gly9Trp (NM_001159508.3, NM_001354598.3, NM_001354599.3 and 2 more transcripts); c.-403G>T (NM_001354597.3); short protein forms G9W.
Identifiers: ClinVar variation 2081379 (VCV002081379.2), dbSNP rs1307123127, ClinGen allele CA391743521.

ClinVar aggregate classification (germline): Uncertain significance. Review status: criteria provided, multiple submitters, no conflicts (2 of 4 stars). 2 submissions from 2 submitters: Uncertain significance (2). Last evaluated 2024-12-16.

Conditions:
Inborn genetic diseases. Identifiers: MedGen C0950123, MeSH D030342.
Isovaleryl-CoA dehydrogenase deficiency (IVA). Also called: ISOVALERIC ACID CoA DEHYDROGENASE DEFICIENCY; Isovaleric acidemia; IVD DEFICIENCY; Classic Isovaleric Acidemia. Identifiers: Orphanet 33, MedGen C0268575, MONDO:0009475, OMIM 243500.

Allele frequency attached by ClinVar (database versions not stated): TOPMed below 0.00001; gnomAD 0.00001.

Submissions (2):

Ambry Genetics
Classification: Uncertain significance for Inborn genetic diseases. Last evaluated: 2024-12-16. Review status: criteria provided, single submitter. Criteria: Ambry Variant Classification Scheme 2023. Collection method: clinical testing. Allele origin: germline.

Labcorp Genetics (formerly Invitae), Labcorp
Classification: Uncertain significance for Isovaleryl-CoA dehydrogenase deficiency. Last evaluated: 2022-02-04. Review status: criteria provided, single submitter. Criteria: Invitae Variant Classification Sherloc (09022015). Collection method: clinical testing. Allele origin: germline.
Comment: This sequence change replaces glycine, which is neutral and non-polar, with tryptophan, which is neutral and slightly polar, at codon 12 of the IVD protein (p.Gly12Trp). This variant is present in population databases (no rsID available, gnomAD 0.0009%). This variant has not been reported in the literature in individuals affected with IVD-related conditions. Algorithms developed to predict the effect of missense changes on protein structure and function are either unavailable or do not agree on the potential impact of this missense change (SIFT: "Deleterious"; PolyPhen-2: "Possibly Damaging"; Align-GVGD: "Class C0"). In summary, the available evidence is currently insufficient to determine the role of this variant in disease. Therefore, it has been classified as a Variant of Uncertain Significance.